The following is an entry in ClinVar:

NM_005045.4(RELN):c.55G>C (p.Ala19Pro)

Gene: RELN (reelin; minus strand). Cytogenetic location: 7q22.1.
Variant type: single nucleotide variant.
Coding change: c.55G>C on transcript NM_005045.4 (MANE Select); coding-DNA position 55, G replaced by C.
Protein change: p.Ala19Pro; replaces alanine 19 with proline.
Molecular consequence: missense variant.
Genome position (GRCh38, 1-based): chr7:103,989,302, C>G on the plus strand (G>C on the coding strand, the complement: RELN is on the minus strand). VCF-style: chr7-103989302-C-G. GRCh37 (hg19) VCF-style: chr7-103629749-C-G.
Other names: c.55G>C, p.Ala19Pro (NM_173054.3); short protein forms A19P.
Identifiers: ClinVar variation 4783207 (VCV004783207.1).
Genomic context (GRCh38, chr7:103,989,302, plus strand): 5'-GGAAAAAGAAGGGCGAAAAGCGGGGGTAATAGCCAGCCGCCGCGCGCGCCCTCAGCGTCG[C>G]CCCCAGCAACAGCGCTAGGAGGAAAGTCTGCCGGGCCCAGCCACTGCGCTCCATGCCGCC-3'
Protein context (NP_005036.2, residues 9-29): QTFLLALLLG[Ala19Pro]TLRARAAAGY

ClinVar aggregate classification (germline): Uncertain significance (1 of 4 stars; one submission).

Conditions:
Norman-Roberts syndrome (LIS2). Also called: Lissencephaly 2 (Norman-Roberts type). Identifiers: Orphanet 89844, MedGen C0796089, MONDO:0009760, OMIM 257320.
Familial temporal lobe epilepsy 7. Identifiers: Orphanet 101046, MedGen C4225327, MONDO:0014639, OMIM 616436.

Submission:

Labcorp Genetics (formerly Invitae), Labcorp
Classification: Uncertain significance for Familial temporal lobe epilepsy 7; Norman-Roberts syndrome. Last evaluated: 2025-06-14. Review status: criteria provided, single submitter. Criteria: Invitae Variant Classification Sherloc (09022015). Collection method: clinical testing. Allele origin: germline.
Comment: This sequence change replaces alanine, which is neutral and non-polar, with proline, which is neutral and non-polar, at codon 19 of the RELN protein (p.Ala19Pro). This variant is not present in population databases (gnomAD no frequency). This variant has not been reported in the literature in individuals affected with RELN-related conditions. Invitae Evidence Modeling of protein sequence and biophysical properties (such as structural, functional, and spatial information, amino acid conservation, physicochemical variation, residue mobility, and thermodynamic stability) indicates that this missense variant is not expected to disrupt RELN protein function with a negative predictive value of 80%. In summary, the available evidence is currently insufficient to determine the role of this variant in disease. Therefore, it has been classified as a Variant of Uncertain Significance.